The following is an entry in ClinVar:

ClinVar aggregate classification (germline): Uncertain significance. Review status: criteria provided, multiple submitters, no conflicts (2 of 4 stars). 6 submissions from 6 submitters: Uncertain significance (6). Last evaluated 2025-10-01.

Conditions:
Familial renal glucosuria (GLYS). Also called: RENAL GLUCOSURIA, AUTOSOMAL DOMINANT; Familial renal glycosuria. Identifiers: Orphanet 69076, MedGen C3245525, MONDO:0009297, OMIM 233100.
Inborn genetic diseases. Identifiers: MedGen C0950123, MeSH D030342.

Allele frequency attached by ClinVar (database versions not stated): gnomAD exomes 0.00015 and 0.00038; ExAC 0.00017; ESP Exome Variant Server 0.00023; TOPMed 0.00025; gnomAD 0.00028 and 0.00031.

Submissions (6):

Victorian Clinical Genetics Services, Murdoch Childrens Research Institute
Classification: Uncertain significance for Familial renal glucosuria. Last evaluated: 2025-10-01. Review status: criteria provided, single submitter. Criteria: ACMG Guidelines, 2015. Collection method: clinical testing. Allele origin: germline. Affected: yes.
Comment: This variant is classified as VUS-3B. Evidence in support of pathogenic classification: Variant is present in gnomAD <0.01(v4: 586 heterozygote(s), 0 homozygote(s)); Very strong and specific phenotype match for this individual. Additional information: Variant is predicted to result in a missense amino acid change from proline to leucine; This variant is heterozygous; This gene is associated with both recessive and dominant disease. Variants in this gene have been reported to cause both dominant and recessive disease, with recessive disease being more severe and with earlier onset (OMIM, PMID: 22314875, 28365451, 24908283); Alternative amino acid change(s) at the same position are present in gnomAD (Highest allele count: v4: 1 heterozygote(s), 0 homozygote(s)); Previous evidence of pathogenicity for this variant is inconclusive. This variant has been classified as a VUS by clinical laboratories in ClinVar, and has been identified in over 50 heterozygous individuals, many without phenotypic information or unrelated phenotypes. A small number of individuals had SLC5A2-related features (personal communication); No published segregation evidence has been identified for this variant; No published functional evidence has been identified for this variant; No comparable missense variants have previous evidence for pathogenicity; Variant is located in the annotated sodium:solute symporter family domain (DECIPHER); Missense variant with inconclusive in silico prediction and uninformative conservation; Loss of function is a known mechanism of disease in this gene and is associated with renal glucosuria (MIM#233100); The dominant condition associated with this gene has incomplete penetrance. The same variants have been reported as heterozygous in both affected and unaffected individuals (PMID: 28365451, 21165652).

Blueprint Genetics
Classification: Uncertain significance. Last evaluated: 2024-08-26. Review status: criteria provided, single submitter. Criteria: ACMG Guidelines, 2015. Collection method: clinical testing. Allele origin: germline.

Fulgent Genetics
Classification: Uncertain significance for Familial renal glucosuria. Last evaluated: 2024-01-05. Review status: criteria provided, single submitter. Criteria: ACMG Guidelines, 2015. Collection method: clinical testing. Allele origin: germline.

GeneDx
Classification: Uncertain significance. Last evaluated: 2023-03-10. Review status: criteria provided, single submitter. Criteria: GeneDx Variant Classification Process June 2021. Collection method: clinical testing. Allele origin: germline. Affected: yes.
Comment: In silico analysis supports that this missense variant does not alter protein structure/function; Has not been previously published as pathogenic or benign to our knowledge

Ambry Genetics
Classification: Uncertain significance for Inborn genetic diseases. Last evaluated: 2021-08-17. Review status: criteria provided, single submitter. Criteria: Ambry Variant Classification Scheme 2023. Collection method: clinical testing. Allele origin: germline.

Illumina Laboratory Services, Illumina
Classification: Uncertain significance for Familial renal glucosuria. Last evaluated: 2018-01-12. Review status: criteria provided, single submitter. Criteria: ICSL Variant Classification Criteria 13 December 2019. Collection method: clinical testing. Allele origin: germline.

Literature cited by the submitters: PubMed 22314875 (cited by Victorian Clinical Genetics Services, Murdoch Childrens Research Institute); PubMed 28365451 (cited by Victorian Clinical Genetics Services, Murdoch Childrens Research Institute); PubMed 24908283 (cited by Victorian Clinical Genetics Services, Murdoch Childrens Research Institute); PubMed 21165652 (cited by Victorian Clinical Genetics Services, Murdoch Childrens Research Institute).

NM_003041.4(SLC5A2):c.1433C>T (p.Pro478Leu)

Gene: SLC5A2 (solute carrier family 5 member 2; plus strand). Cytogenetic location: 16p11.2.
Variant type: single nucleotide variant.
Coding change: c.1433C>T on transcript NM_003041.4 (MANE Select); coding-DNA position 1433, C replaced by T.
Protein change: p.Pro478Leu; replaces proline 478 with leucine.
Molecular consequence: missense variant.
Genome position (GRCh38, 1-based): chr16:31,489,032, C>T. VCF-style: chr16-31489032-C-T. GRCh37 (hg19) VCF-style: chr16-31500353-C-T.
Other names: short protein forms P478L.
Identifiers: ClinVar variation 885709 (VCV000885709.12), dbSNP rs373902181, ClinGen allele CA8031139.